The following is an entry in ClinVar:

NM_003489.4(NRIP1):c.453A>G (p.Gln151=)

Gene: NRIP1 (nuclear receptor interacting protein 1; minus strand). Cytogenetic location: 21q11.2.
Variant type: single nucleotide variant.
Coding change: c.453A>G on transcript NM_003489.4 (MANE Select); coding-DNA position 453, A replaced by G.
Protein change: p.Gln151=; no amino-acid change (glutamine 151 retained).
Molecular consequence: synonymous variant.
Genome position (GRCh38, 1-based): chr21:14,967,740, T>C on the plus strand (A>G on the coding strand, the complement: NRIP1 is on the minus strand). VCF-style: chr21-14967740-T-C. GRCh37 (hg19) VCF-style: chr21-16340061-T-C.
Identifiers: ClinVar variation 2632447 (VCV002632447.26), dbSNP rs371021775, ClinGen allele CA9981492.

ClinVar aggregate classification (germline): Conflicting classifications of pathogenicity. Review status: criteria provided, conflicting classifications (1 of 4 stars). 4 submissions from 4 submitters: Uncertain significance (1); Likely benign (3). Last evaluated 2025-09-19.

Conditions:
NRIP1-related disorder. Also called: NRIP1-related condition.

Allele frequency attached by ClinVar (database versions not stated): ExAC 0.00002; gnomAD exomes 0.00005; gnomAD 0.00007; TOPMed 0.00008.
gnomAD v4.1: 98 of 1,614,184 alleles (0.0061%); highest among the groups gnomAD compares: African/African-American, 0.064%; 4 homozygotes.

Submissions (4):

Labcorp Genetics (formerly Invitae), Labcorp
Classification: Likely benign. Last evaluated: 2025-09-19. Review status: criteria provided, single submitter. Criteria: Invitae Variant Classification Sherloc (09022015). Collection method: clinical testing. Allele origin: germline.

Blueprint Genetics
Classification: Likely benign. Last evaluated: 2024-07-24. Review status: criteria provided, single submitter. Criteria: ACMG Guidelines, 2015. Collection method: clinical testing. Allele origin: germline.

PreventionGenetics, part of Exact Sciences
Classification: Uncertain significance for NRIP1-related condition. Last evaluated: 2023-02-15. Review status: criteria provided, single submitter. Criteria: ACMG Guidelines, 2015. Collection method: clinical testing. Allele origin: germline.
Comment: The NRIP1 c.453A>G variant is not predicted to result in an amino acid change (p.=). To our knowledge, this variant has not been reported in the literature. This variant is reported in 0.016% of alleles in individuals of African descent in gnomAD. At this time, the clinical significance of this variant is uncertain due to the absence of conclusive functional and genetic evidence.

CeGaT Center for Human Genetics Tuebingen
Classification: Likely benign. Last evaluated: 2022-09-01. Review status: criteria provided, single submitter. Criteria: CeGaT Center For Human Genetics Tuebingen Variant Classification Criteria Version 2. Collection method: clinical testing. Allele origin: germline. Affected: yes. Observed: 1 variant allele.
Comment: NRIP1: BP4, BP7